The following is an entry in ClinVar:

ClinVar aggregate classification (germline): Uncertain significance (1 of 4 stars; one submission).

Conditions:
Hereditary cancer-predisposing syndrome. Also called: Tumor predisposition; Hereditary neoplastic syndrome; Hereditary Cancer Syndrome; Neoplastic Syndromes, Hereditary. Identifiers: Orphanet 140162, MedGen C0027672, MeSH D009386, MONDO:0015356.

Submission:

Ambry Genetics
Classification: Uncertain significance for Hereditary cancer-predisposing syndrome. Last evaluated: 2026-06-11. Review status: criteria provided, single submitter. Criteria: Ambry Variant Classification Scheme 2023. Collection method: clinical testing. Allele origin: germline.
Comment: The p.P2829A variant (also known as c.8485C>G), located in coding exon 57 of the ATM gene, results from a C to G substitution at nucleotide position 8485. The proline at codon 2829 is replaced by alanine, an amino acid with highly similar properties. In an assay testing ATM function, this variant showed a functionally normal result (Lee KS et al. Cell, 2025 Sep;188:5081-5099.e27). This amino acid position is highly conserved in available vertebrate species. In addition, this alteration is predicted to be deleterious by in silico analysis. Based on the available evidence, the clinical significance of this variant remains unclear.

Literature cited by the submitters: PubMed 40580951.

NM_000051.4(ATM):c.8485C>G (p.Pro2829Ala)

Genes: ATM (ATM serine/threonine kinase; plus strand), C11orf65 (chromosome 11 open reading frame 65; minus strand). Cytogenetic location: 11q22.3.
Variant type: single nucleotide variant.
Coding change: c.8485C>G on transcript NM_000051.4 (MANE Select); coding-DNA position 8485, C replaced by G.
Protein change: p.Pro2829Ala; replaces proline 2829 with alanine.
Molecular consequence: missense variant. On other transcripts: intron variant (2).
Genome position (GRCh38, 1-based): chr11:108,345,809, C>G. VCF-style: chr11-108345809-C-G. GRCh37 (hg19) VCF-style: chr11-108216536-C-G.
Other names: c.8485C>G, p.Pro2829Ala (NM_001351834.2); c.641-36738G>C (NM_001330368.2); c.695-10517G>C (NM_001351110.2); short protein forms P2829A.
Identifiers: ClinVar variation 4867106 (VCV004867106.1).
Genomic context (GRCh38, chr11:108,345,809, plus strand): 5'-CAAAAAAAGTCTTTTGAAGAGAAATATGAAGTCTTCATGGATGTTTGCCAAAATTTTCAA[C>G]CAGTTTTCCGTTACTTCTGCATGGAAAAATTCTTGGATCCAGCTATTTGGTTTGAGAAGC-3'
Protein context (NP_000042.3, residues 2819-2839): VFMDVCQNFQ[Pro2829Ala]VFRYFCMEKF